The following is an entry in ClinVar:

NM_001458.5(FLNC):c.7366G>C (p.Val2456Leu)

Genes: FLNC (filamin C; plus strand), FLNC-AS1 (FLNC antisense RNA 1; minus strand). Cytogenetic location: 7q32.1.
Variant type: single nucleotide variant.
Coding change: c.7366G>C on transcript NM_001458.5 (MANE Select); coding-DNA position 7366, G replaced by C.
Protein change: p.Val2456Leu; replaces valine 2456 with leucine.
Molecular consequence: missense variant.
Genome position (GRCh38, 1-based): chr7:128,856,632, G>C. VCF-style: chr7-128856632-G-C. GRCh37 (hg19) VCF-style: chr7-128496686-G-C.
Other names: c.7267G>C, p.Val2423Leu (NM_001127487.2); short protein forms V2423L, V2456L.
Identifiers: ClinVar variation 3255148 (VCV003255148.1), dbSNP rs770796119.

ClinVar aggregate classification (germline): Uncertain significance (1 of 4 stars; one submission).

Conditions:
Distal myopathy with posterior leg and anterior hand involvement. Also called: WILLIAMS DISTAL MYOPATHY. Identifiers: Orphanet 63273, MedGen C3279722, MONDO:0013550, OMIM 614065.

gnomAD v4.1: 3 of 1,612,970 alleles (0.00019%); highest among the groups gnomAD compares: Non-Finnish European, 0.00025%; no homozygotes.

Submission:

Victorian Clinical Genetics Services, Murdoch Childrens Research Institute
Classification: Uncertain significance for Distal myopathy with posterior leg and anterior hand involvement. Last evaluated: 2023-07-17. Review status: criteria provided, single submitter. Criteria: ACMG Guidelines, 2015. Collection method: clinical testing. Allele origin: germline. Inheritance: Autosomal dominant inheritance. Affected: yes.
Comment: Based on the classification scheme VCGS_Germline_v1.3.4, this variant is classified as VUS-3B. Following criteria are met: 0103 - Loss of function and gain of function are known mechanisms of disease in this gene. Loss of function is the established mechanism of disease for variants in dilated cardiomyopathy (PMID: 32112656), familial hypertrophic cardiomyopathy 26 (MIM#617047), familial restrictive cardiomyopathy 5 (MIM#617047) and myofibrillar myopathy 5 (MIM#609524), and recently has been associated with arrhythmogenic right ventricular cardiomyopathy (MONDO#0016587; PMID: 31627847). In distal myopathy 4 (MIM#614065), NMD-predicted variants cause a loss of function; however, missense variants have been shown to result in a toxic gain of function (PMID: 32112656). (I) 0107 - This gene is associated with autosomal dominant disease. Variants located throughout the gene that are predicted to result in nonsense-mediated decay (NMD) are enriched in dilated cardiomyopathy, whereas missense variants in the ROD2 domain are enriched in familial hypertrophic cardiomyopathy 26 and familial restrictive cardiomyopathy 5 (MIM#617047). Additionally, myofibrillar myopathy 5 (MIM#609524) is known to result from either missense variants in the ROD2 domain or truncating variants in the Ig-like domain 24, while missense variants in the actin-binding domain and NMD-predicted variants located in the Ig-like domain 15 have been reported for distal myopathy 4 (MIM#614065) (PMID: 32112656). (I) 0200 - Variant is predicted to result in a missense amino acid change from valine to leucine. (I) 0251 - This variant is heterozygous. (I) 0301 - Variant is absent from gnomAD (both v2 and v3). (SP) 0309 - An alternative amino acid change at the same position has been observed in gnomAD (v2) (13 heterozygotes, 0 homozygotes). (I) 0502 - Missense variant with conflicting in silico predictions and uninformative conservation. (I) 0600 - Variant is located in the annotated filamin/ABP280 repeat domain (DECIPHER). (I) 0710 - Another missense variant comparable to the one identified in this case has inconclusive previous evidence for pathogenicity. This variant (p.(Val2456Ile)) has been reported as a VUS (ClinVar). (I) 0807 - This variant has no previous evidence of pathogenicity. (I) 0905 - No published segregation evidence has been identified for this variant. (I) 1007 - No published functional evidence has been identified for this variant. (I) 1208 - Inheritance information for this variant is not currently available in this individual. (I) Legend: (SP) - Supporting pathogenic, (I) - Information, (SB) - Supporting benign

Literature cited by the submitters: PubMed 31627847; PubMed 32112656.